The following is an entry in ClinVar:

ClinVar aggregate classification (germline): Uncertain significance (1 of 4 stars; one submission).

Conditions:
Episodic ataxia type 1 (EA1). Also called: ATAXIA, EPISODIC, WITH MYOKYMIA; MYOKYMIA WITH PERIODIC ATAXIA; PAROXYSMAL ATAXIA WITH NEUROMYOTONIA, HEREDITARY; Episodic ataxia/myokymia syndrome. Identifiers: Orphanet 37612, Orphanet 972, MedGen C1719788, MONDO:0008047, OMIM 160120.

Submission:

Labcorp Genetics (formerly Invitae), Labcorp
Classification: Uncertain significance for Episodic ataxia type 1. Last evaluated: 2024-04-01. Review status: criteria provided, single submitter. Criteria: Invitae Variant Classification Sherloc (09022015). Collection method: clinical testing. Allele origin: germline.
Comment: This sequence change replaces isoleucine, which is neutral and non-polar, with serine, which is neutral and polar, at codon 302 of the KCNA1 protein (p.Ile302Ser). This variant is not present in population databases (gnomAD no frequency). This variant has not been reported in the literature in individuals affected with KCNA1-related conditions. Advanced modeling of protein sequence and biophysical properties (such as structural, functional, and spatial information, amino acid conservation, physicochemical variation, residue mobility, and thermodynamic stability) performed at Invitae indicates that this missense variant is expected to disrupt KCNA1 protein function with a positive predictive value of 80%. In summary, the available evidence is currently insufficient to determine the role of this variant in disease. Therefore, it has been classified as a Variant of Uncertain Significance.

NM_000217.3(KCNA1):c.905T>G (p.Ile302Ser)

Gene: KCNA1 (potassium voltage-gated channel subfamily A member 1; plus strand). Cytogenetic location: 12p13.32.
Variant type: single nucleotide variant.
Coding change: c.905T>G on transcript NM_000217.3 (MANE Select); coding-DNA position 905, T replaced by G.
Protein change: p.Ile302Ser; replaces isoleucine 302 with serine.
Molecular consequence: missense variant.
Genome position (GRCh38, 1-based): chr12:4,912,283, T>G. VCF-style: chr12-4912283-T-G. GRCh37 (hg19) VCF-style: chr12-5021449-T-G.
Other names: short protein forms I302S.
Identifiers: ClinVar variation 3648343 (VCV003648343.2).